The following is an entry in ClinVar:

ClinVar aggregate classification (germline): Uncertain significance (1 of 4 stars; one submission).

Conditions:
Inborn genetic diseases. Identifiers: MedGen C0950123, MeSH D030342.

Submission:

Ambry Genetics
Classification: Uncertain significance for Inborn genetic diseases. Last evaluated: 2018-12-03. Review status: criteria provided, single submitter. Criteria: Ambry Variant Classification Scheme 2023. Collection method: clinical testing. Allele origin: germline.
Comment: The p.G830W variant (also known as c.2488G>T), located in coding exon 8 of the HCN1 gene, results from a G to T substitution at nucleotide position 2488. The glycine at codon 830 is replaced by tryptophan, an amino acid with highly dissimilar properties. This amino acid position is not well conserved in available vertebrate species. In addition, the in silico prediction for this alteration is inconclusive. Since supporting evidence is limited at this time, the clinical significance of this alteration remains unclear.

NM_021072.4(HCN1):c.2488G>T (p.Gly830Trp)

Gene: HCN1 (hyperpolarization activated cyclic nucleotide gated potassium channel 1; minus strand). Cytogenetic location: 5p12.
Variant type: single nucleotide variant.
Coding change: c.2488G>T on transcript NM_021072.4 (MANE Select); coding-DNA position 2488, G replaced by T.
Protein change: p.Gly830Trp; replaces glycine 830 with tryptophan.
Molecular consequence: missense variant.
Genome position (GRCh38, 1-based): chr5:45,262,106, C>A on the plus strand (G>T on the coding strand, the complement: HCN1 is on the minus strand). VCF-style: chr5-45262106-C-A. GRCh37 (hg19) VCF-style: chr5-45262208-C-A.
Other names: short protein forms G830W.
Identifiers: ClinVar variation 1792022 (VCV001792022.2), dbSNP rs1484753978, ClinGen allele CA359703240.